The following is an entry in ClinVar:

NM_001042492.3(NF1):c.7957del (p.Val2653fs)

Gene: NF1 (neurofibromin 1; plus strand). Cytogenetic location: 17q11.2.
Variant type: Deletion.
Coding change: c.7957del on transcript NM_001042492.3 (MANE Select); coding-DNA position 7957, one base deleted (G; older notation c.7957delG).
Protein change: p.Val2653fs; shifts the reading frame from valine 2653.
Molecular consequence: frameshift variant.
Genome position (GRCh38, 1-based): chr17:31,357,356, G deleted. VCF-style (leftmost placement, unchanged base first): chr17-31357355-AG-A. GRCh37 (hg19) VCF-style: chr17-29684373-AG-A.
Other names: c.7894delG, p.Val2632Serfs (NM_000267.4); c.7894delG (NM_000267.3); short protein forms V2632fs, V2653fs.
Identifiers: ClinVar variation 3387777 (VCV003387777.1).
Genomic context (GRCh38, chr17:31,357,355, plus strand): 5'-TGAGTTTGATCAACGAATTCTTTATGAATACTTAGCAGAGGCCAGTGTTGTGTTTCCCAA[AG>A]TCTTTCCTGTTGTGTAAGTATCTCCTTTTGATTTTAATTCACCTTCGTGCCTGTCTTTAA-3'

ClinVar aggregate classification (germline): Pathogenic (1 of 4 stars; one submission).

Conditions:
Neurofibromatosis, type 1 (NF1). Also called: NEUROFIBROMATOSIS, TYPE I, SOMATIC; Neurofibromatosis, type I; Peripheral type neurofibromatosis; VON RECKLINGHAUSEN DISEASE. Identifiers: Orphanet 636, MedGen C0027831, MONDO:0018975, OMIM 162200. Disease mechanism: loss of function.

Submission:

Department of Clinical Genetics, Copenhagen University Hospital, Rigshospitalet
Classification: Pathogenic for Neurofibromatosis, type 1. Last evaluated: 2024-07-04. Review status: criteria provided, single submitter. Criteria: ACMG Guidelines, 2015. Collection method: clinical testing. Allele origin: germline. Affected: yes.
Comment: The following ACMG criteria is used: PM2_Supporting (not reported in gnomAD); PVS1 (Null variant in gene with established LOF as disease mechanism, predicted NMD); PP4_mod (Patients phenotype is highly specific for a disease with a single genetic aetiology)